The following is an entry in ClinVar:

NM_022124.6(CDH23):c.2839G>T (p.Val947Leu)

Gene: CDH23 (cadherin related 23; plus strand). Cytogenetic location: 10q22.1.
Variant type: single nucleotide variant.
Coding change: c.2839G>T on transcript NM_022124.6 (MANE Select); coding-DNA position 2839, G replaced by T.
Protein change: p.Val947Leu; replaces valine 947 with leucine.
Molecular consequence: missense variant.
Genome position (GRCh38, 1-based): chr10:71,705,016, G>T. VCF-style: chr10-71705016-G-T. GRCh37 (hg19) VCF-style: chr10-73464773-G-T.
Other names: c.2839G>T, p.Val947Leu (NM_001171930.2, NM_001171931.2); short protein forms V947L.
Identifiers: ClinVar variation 2190372 (VCV002190372.2), dbSNP rs2494061257, ClinGen allele CA377139661.

ClinVar aggregate classification (germline): Uncertain significance (1 of 4 stars; one submission).

Allele frequency attached by ClinVar (database versions not stated): gnomAD exomes 0.00001.
gnomAD v4.1: 6 of 1,612,832 alleles (0.00037%); highest among the groups gnomAD compares: Non-Finnish European, 0.00042%; no homozygotes.

Submission:

Labcorp Genetics (formerly Invitae), Labcorp
Classification: Uncertain significance. Last evaluated: 2022-03-11. Review status: criteria provided, single submitter. Criteria: Invitae Variant Classification Sherloc (09022015). Collection method: clinical testing. Allele origin: germline.
Comment: This sequence change replaces valine, which is neutral and non-polar, with leucine, which is neutral and non-polar, at codon 947 of the CDH23 protein (p.Val947Leu). This variant is not present in population databases (gnomAD no frequency). In summary, the available evidence is currently insufficient to determine the role of this variant in disease. Therefore, it has been classified as a Variant of Uncertain Significance. Algorithms developed to predict the effect of missense changes on protein structure and function are either unavailable or do not agree on the potential impact of this missense change (SIFT: "Deleterious"; PolyPhen-2: "Not Available"; Align-GVGD: "Class C0"). This variant has not been reported in the literature in individuals affected with CDH23-related conditions.